The following is an entry in ClinVar:

NM_020937.4(FANCM):c.455A>T (p.Glu152Val)

Gene: FANCM (FA complementation group M; plus strand). Cytogenetic location: 14q21.2.
Variant type: single nucleotide variant.
Coding change: c.455A>T on transcript NM_020937.4 (MANE Select); coding-DNA position 455, A replaced by T.
Protein change: p.Glu152Val; replaces glutamic acid 152 with valine.
Molecular consequence: missense variant.
Genome position (GRCh38, 1-based): chr14:45,136,486, A>T. VCF-style: chr14-45136486-A-T. GRCh37 (hg19) VCF-style: chr14-45605689-A-T.
Other names: c.455A>T, p.Glu152Val (NM_001308133.2, NM_001308134.2); short protein forms E152V.
Identifiers: ClinVar variation 5036640 (VCV005036640.1).

ClinVar aggregate classification (germline): Uncertain significance (1 of 4 stars; one submission).

Conditions:
Inborn genetic diseases. Identifiers: MedGen C0950123, MeSH D030342.

Submission:

Ambry Genetics
Classification: Uncertain significance for Inborn genetic diseases. Last evaluated: 2026-07-24. Review status: criteria provided, single submitter. Criteria: Ambry Variant Classification Scheme 2023. Collection method: clinical testing. Allele origin: germline.
Comment: The p.E152V variant (also known as c.455A>T), located in coding exon 1 of the FANCM gene, results from an A to T substitution at nucleotide position 455. The glutamic acid at codon 152 is replaced by valine, an amino acid with dissimilar properties. This amino acid position is conserved. In addition, this alteration is predicted to be tolerated by in silico analysis. Based on the available evidence, the clinical significance of this variant remains unclear.